The following is an entry in ClinVar:

NM_000340.2(SLC2A2):c.239del (p.Pro80fs)

Gene: SLC2A2 (solute carrier family 2 member 2; minus strand). Cytogenetic location: 3q26.2.
Variant type: Deletion.
Coding change: c.239del on transcript NM_000340.2 (MANE Select); coding-DNA position 239, one base deleted (C; older notation c.239delC).
Protein change: p.Pro80fs; shifts the reading frame from proline 80.
Molecular consequence: frameshift variant. On other transcripts: 5 prime UTR variant (1), intron variant (1).
Genome position (GRCh38, 1-based): chr3:171,014,601, G deleted on the plus strand (C on the coding strand, the reverse complement: SLC2A2 is on the minus strand); the first of 4 consecutive G bases (chr3:171,014,601-171,014,604); deleting any one gives the same sequence. VCF-style (leftmost placement, unchanged base first): chr3-171014600-AG-A. GRCh37 (hg19) VCF-style: chr3-170732389-AG-A.
Other names: c.-156del (NM_001278659.2); c.14+3930del (NM_001278658.2); short protein forms P80fs.
Identifiers: ClinVar variation 473039 (VCV000473039.7), dbSNP rs769888108, ClinGen allele CA2702735.

ClinVar aggregate classification (germline): Pathogenic (1 of 4 stars; one submission).

Conditions:
Fanconi-Bickel syndrome (FBS). Also called: FANCONI SYNDROME WITH INTESTINAL MALABSORPTION AND GALACTOSE INTOLERANCE; HEPATIC GLYCOGENOSIS WITH AMINO ACIDURIA AND GLUCOSURIA; HEPATIC GLYCOGENOSIS WITH FANCONI NEPHROPATHY; HEPATORENAL GLYCOGENOSIS WITH RENAL FANCONI SYNDROME; PSEUDO-PHLORIZIN DIABETES; Glycogen storage disease due to GLUT2 deficiency. Identifiers: Orphanet 2088, MedGen C3495427, MONDO:0009216, OMIM 227810.

Submission:

Labcorp Genetics (formerly Invitae), Labcorp
Classification: Pathogenic for Fanconi-Bickel syndrome. Last evaluated: 2021-01-21. Review status: criteria provided, single submitter. Criteria: Invitae Variant Classification Sherloc (09022015). Collection method: clinical testing. Allele origin: germline.
Comment: This sequence change creates a premature translational stop signal (p.Pro80Leufs*13) in the SLC2A2 gene. It is expected to result in an absent or disrupted protein product. This variant is present in population databases (rs769888108, ExAC 0.009%). This variant has not been reported in the literature in individuals with SLC2A2-related disease. ClinVar contains an entry for this variant (Variation ID: 473039). Loss-of-function variants in SLC2A2 are known to be pathogenic (PMID: 11810292). For these reasons, this variant has been classified as Pathogenic.

Literature cited by the submitters: PubMed 11810292.